The following is an entry in ClinVar:

NM_007078.3(LDB3):c.662A>G (p.Lys221Arg)

Gene: LDB3 (LIM domain binding 3; plus strand). Cytogenetic location: 10q23.2.
Variant type: single nucleotide variant.
Coding change: c.662A>G on transcript NM_007078.3 (MANE Select); coding-DNA position 662, A replaced by G.
Protein change: p.Lys221Arg; replaces lysine 221 with arginine.
Molecular consequence: missense variant. On other transcripts: intron variant (5).
Genome position (GRCh38, 1-based): chr10:86,681,776, A>G. VCF-style: chr10-86681776-A-G. GRCh37 (hg19) VCF-style: chr10-88441533-A-G.
Other names: c.662A>G, p.Lys221Arg (NM_001080115.2, NM_001171610.2, NM_001171611.2 and 3 more transcripts); c.321+1619A>G (NM_001368068.1, NM_001368066.1, NM_001080114.2 and 2 more transcripts); short protein forms K221R.
Identifiers: ClinVar variation 2179603 (VCV002179603.4), dbSNP rs1237243980, ClinGen allele CA377455597.
Genomic context (GRCh38, chr10:86,681,776, plus strand): 5'-TGTACTCGGCAGAGACCCTGAGGGAGATGGCTCAGATGTACCAGATGAGCCTCCGAGGGA[A>G]GGCCTCGGGTGTCGGACTCCCAGGAGGGTAGGTAACGGACATACAGCTCTCCACAGGTGG-3'
Protein context (NP_009009.1, residues 211-231): AQMYQMSLRG[Lys221Arg]ASGVGLPGGS

ClinVar aggregate classification (germline): Uncertain significance (1 of 4 stars; one submission).

Conditions:
Myofibrillar myopathy 4. Also called: Zaspopathy (type). Identifiers: Orphanet 98912, MedGen C4721886, MONDO:0012277, OMIM 609452.

Allele frequency attached by ClinVar (database versions not stated): gnomAD 0.00001; gnomAD exomes 0.00001.
gnomAD v4.1: 8 of 1,598,718 alleles (0.0005%); highest among the groups gnomAD compares: East Asian, 0.0045%; no homozygotes.

Submission:

Labcorp Genetics (formerly Invitae), Labcorp
Classification: Uncertain significance for Myofibrillar myopathy 4. Last evaluated: 2025-04-29. Review status: criteria provided, single submitter. Criteria: Invitae Variant Classification Sherloc (09022015). Collection method: clinical testing. Allele origin: germline.
Comment: The LDB3 gene has multiple clinically relevant transcripts. This variant occurs in alternate transcript NM_007078.3, and corresponds to NM_001080116.1:c.321+1619A>G in the primary transcript. This sequence change replaces lysine, which is basic and polar, with arginine, which is basic and polar, at codon 221 of the LDB3 protein (p.Lys221Arg). The frequency data for this variant in the population databases is considered unreliable, as metrics indicate poor data quality at this position in the gnomAD database. This variant has not been reported in the literature in individuals affected with LDB3-related conditions. ClinVar contains an entry for this variant (Variation ID: 2179603). Algorithms developed to predict the effect of sequence changes on RNA splicing suggest that this variant is not likely to affect RNA splicing. In summary, the available evidence is currently insufficient to determine the role of this variant in disease. Therefore, it has been classified as a Variant of Uncertain Significance.